The following is an entry in ClinVar:

ClinVar aggregate classification (germline): Uncertain significance (1 of 4 stars; one submission).

Allele frequency attached by ClinVar (database versions not stated): ExAC 0.00001; gnomAD 0.00001; TOPMed 0.00002.
gnomAD v4.1: 4 of 1,612,834 alleles (0.00025%); highest among the groups gnomAD compares: Admixed American, 0.0067%; no homozygotes.

Submission:

Labcorp Genetics (formerly Invitae), Labcorp
Classification: Uncertain significance. Last evaluated: 2023-04-17. Review status: criteria provided, single submitter. Criteria: Invitae Variant Classification Sherloc (09022015). Collection method: clinical testing. Allele origin: germline.
Comment: In summary, the available evidence is currently insufficient to determine the role of this variant in disease. Therefore, it has been classified as a Variant of Uncertain Significance. Advanced modeling of protein sequence and biophysical properties (such as structural, functional, and spatial information, amino acid conservation, physicochemical variation, residue mobility, and thermodynamic stability) performed at Invitae indicates that this missense variant is not expected to disrupt ROBO2 protein function. This variant has not been reported in the literature in individuals affected with ROBO2-related conditions. This variant is present in population databases (rs756545358, gnomAD 0.006%). This sequence change replaces valine, which is neutral and non-polar, with leucine, which is neutral and non-polar, at codon 625 of the ROBO2 protein (p.Val625Leu).

NM_001395656.1(ROBO2):c.1885G>T (p.Val629Leu)

Gene: ROBO2 (roundabout guidance receptor 2; plus strand). Cytogenetic location: 3p12.3.
Variant type: single nucleotide variant.
Coding change: c.1885G>T on transcript NM_001395656.1 (MANE Select); coding-DNA position 1885, G replaced by T.
Protein change: p.Val629Leu; replaces valine 629 with leucine.
Molecular consequence: missense variant.
Genome position (GRCh38, 1-based): chr3:77,568,336, G>T. VCF-style: chr3-77568336-G-T. GRCh37 (hg19) VCF-style: chr3-77617487-G-T.
Other names: c.1921G>T, p.Val641Leu (NM_001128929.3); c.1885G>T, p.Val629Leu (NM_001290039.2, NM_001290040.2, NM_001378202.1); c.94G>T, p.Val32Leu (NM_001290065.2); c.1933G>T, p.Val645Leu (NM_001378190.1, NM_001378191.1, NM_001378203.1 and 4 more transcripts); c.1942G>T, p.Val648Leu (NM_001394212.1, NM_001394214.1, NM_001395657.1); c.1954G>T, p.Val652Leu (NM_001394213.1, NM_001378192.1, NM_001378194.1 and 2 more transcripts); c.1873G>T, p.Val625Leu (NM_002942.5, NM_001378193.1, NM_001378197.1); short protein forms V641L, V645L, V648L, V32L, V625L, V629L, V652L.
Identifiers: ClinVar variation 2877165 (VCV002877165.3), dbSNP rs756545358, ClinGen allele CA2497190.